The following is an entry in ClinVar:

ClinVar aggregate classification (germline): Uncertain significance (1 of 4 stars; one submission).

Conditions:
Inborn genetic diseases. Identifiers: MedGen C0950123, MeSH D030342.

Allele frequency attached by ClinVar (database versions not stated): gnomAD exomes below 0.00001; ExAC 0.00001.

Submission:

Ambry Genetics
Classification: Uncertain significance for Inborn genetic diseases. Last evaluated: 2022-05-12. Review status: criteria provided, single submitter. Criteria: Ambry Variant Classification Scheme 2023. Collection method: clinical testing. Allele origin: germline.
Comment: The p.L1182F variant (also known as c.3544C>T), located in coding exon 18 of the ATR gene, results from a C to T substitution at nucleotide position 3544. The leucine at codon 1182 is replaced by phenylalanine, an amino acid with highly similar properties. This amino acid position is conserved. In addition, the in silico prediction for this alteration is inconclusive. Since supporting evidence is limited at this time, the clinical significance of this alteration remains unclear.

NM_001184.4(ATR):c.3544C>T (p.Leu1182Phe)

Gene: ATR (ATR checkpoint kinase; minus strand). Cytogenetic location: 3q23.
Variant type: single nucleotide variant.
Coding change: c.3544C>T on transcript NM_001184.4 (MANE Select); coding-DNA position 3544, C replaced by T.
Protein change: p.Leu1182Phe; replaces leucine 1182 with phenylalanine.
Molecular consequence: missense variant.
Genome position (GRCh38, 1-based): chr3:142,540,941, G>A on the plus strand (C>T on the coding strand, the complement: ATR is on the minus strand). VCF-style: chr3-142540941-G-A. GRCh37 (hg19) VCF-style: chr3-142259783-G-A.
Other names: c.3352C>T, p.Leu1118Phe (NM_001354579.2); short protein forms L1118F, L1182F.
Identifiers: ClinVar variation 1732511 (VCV001732511.2), dbSNP rs752516284, ClinGen allele CA2650083.
Genomic context (GRCh38, chr3:142,540,941, plus strand): 5'-AATAAACTCAGGCAGTCATTTACCTGCAACACAATTCAGGAAAATCATCCTTGAATCGAA[G>A]GCCAGTTCTCAGTGTGGTCATCATCTTCACCCTCACAGAACTGACATGTTTGGGTCCCAT-3'
Protein context (NP_001175.2, residues 1172-1192): VKMMTTLRTG[Leu1182Phe]RFKDDFPELC